The following is an entry in ClinVar:

NM_000426.4(LAMA2):c.3037+4_3037+22del

Gene: LAMA2 (laminin subunit alpha 2; plus strand). Cytogenetic location: 6q22.33.
Variant type: Deletion.
Coding change: c.3037+4_3037+22del on transcript NM_000426.4 (MANE Select); bases 4 to 22 of the intron after coding-DNA position 3037, 19 bases deleted (TGTAAATATGACTTAAGTC).
Molecular consequence: splice donor variant.
Genome position (GRCh38, 1-based): chr6:129,297,869-129,297,887, TGTAAATATGACTTAAGTC deleted; deleting any 19 consecutive bases within chr6:129,297,866-129,297,887 gives the same sequence; the c. name uses the placement nearest the transcript's 3' end. VCF-style (leftmost placement, unchanged base first): chr6-129297865-GGTCTGTAAATATGACTTAA-G. GRCh37 (hg19) VCF-style: chr6-129619010-GGTCTGTAAATATGACTTAA-G.
Other names: c.3037+4_3037+22del (NM_001079823.2).
Identifiers: ClinVar variation 5004181 (VCV005004181.1).

ClinVar aggregate classification (germline): Uncertain significance (1 of 4 stars; one submission).

Conditions:
LAMA2-related muscular dystrophy (LAMA2-RD). Also called: Laminin alpha 2-related dystrophy. Identifiers: MedGen C5679788, MONDO:0100228.

Submission:

Myriad Genetics, Inc.
Classification: Uncertain significance for LAMA2-related muscular dystrophy. Last evaluated: 2025-09-24. Review status: criteria provided, single submitter. Criteria: Myriad Autosomal Dominant, Autosomal Recessive and X-Linked Classification Criteria (2023). Collection method: clinical testing. Allele origin: unknown.
Comment: NM_000426.3(LAMA2):c.3037+4_3037+22del19 is an intronic variant classified as a variant of uncertain significance in the context of muscular dystrophy, LAMA2-related. c.3037+4_3037+22del19 has not been observed in cases with relevant disease. Relevant functional assessments of this variant are not available in the literature. c.3037+4_3037+22del19 has not been observed in referenced population frequency databases. In summary, there is insufficient evidence to classify NM_000426.3(LAMA2):c.3037+4_3037+22del19 as pathogenic or benign. Please note: this variant was assessed in the context of healthy population screening.